The following is an entry in ClinVar:

ClinVar aggregate classification (germline): Conflicting classifications of pathogenicity. Review status: criteria provided, conflicting classifications (1 of 4 stars). 5 submissions from 5 submitters: Uncertain significance (1); Benign (1); Likely benign (2). 1 of the submissions does not count toward it. Last evaluated 2026-02-02.

Conditions:
POLH-related disorder. Also called: POLH-related condition.
Xeroderma pigmentosum (XP). Identifiers: Orphanet 910, MedGen C0043346, MONDO:0019600.

Allele frequency attached by ClinVar (database versions not stated): 1000 Genomes Project 0.00140; ESP Exome Variant Server 0.00177; 1000 Genomes Project 30x 0.00187.
gnomAD v4.1: 468 of 1,614,032 alleles (0.029%); highest among the groups gnomAD compares: African/African-American, 0.5%; 2 homozygotes.

Submissions (5):

Labcorp Genetics (formerly Invitae), Labcorp
Classification: Benign. Last evaluated: 2026-02-02. Review status: criteria provided, single submitter. Criteria: Invitae Variant Classification Sherloc (09022015). Collection method: clinical testing. Allele origin: germline.

Blueprint Genetics
Classification: Likely benign. Last evaluated: 2024-10-29. Review status: criteria provided, single submitter. Criteria: ACMG Guidelines, 2015. Collection method: clinical testing. Allele origin: germline.

GeneDx
Classification: Uncertain significance. Last evaluated: 2023-03-01. Review status: criteria provided, single submitter. Criteria: GeneDx Variant Classification Process June 2021. Collection method: clinical testing. Allele origin: germline. Affected: yes.
Comment: In silico analysis supports that this missense variant has a deleterious effect on protein structure/function; Has not been previously published as pathogenic or benign to our knowledge

Sema4
Classification: Likely benign for Xeroderma pigmentosum. Last evaluated: 2020-09-10. Review status: criteria provided, single submitter. Criteria: Sema4 Curation Guidelines. Collection method: curation. Allele origin: germline.

PreventionGenetics, part of Exact Sciences
Classification: Likely benign for POLH-related condition. Last evaluated: 2020-03-12. Review status: no assertion criteria provided. Collection method: clinical testing. Allele origin: germline. Not counted in ClinVar's aggregate classification.
Comment: This variant is classified as likely benign based on ACMG/AMP sequence variant interpretation guidelines (Richards et al. 2015 PMID: 25741868, with internal and published modifications).

NM_006502.3(POLH):c.1000C>G (p.Arg334Gly)

Gene: POLH (DNA polymerase eta; plus strand). Cytogenetic location: 6p21.1.
Variant type: single nucleotide variant.
Coding change: c.1000C>G on transcript NM_006502.3 (MANE Select); coding-DNA position 1000, C replaced by G.
Protein change: p.Arg334Gly; replaces arginine 334 with glycine.
Molecular consequence: missense variant.
Genome position (GRCh38, 1-based): chr6:43,604,730, C>G. VCF-style: chr6-43604730-C-G. GRCh37 (hg19) VCF-style: chr6-43572467-C-G.
Other names: c.628C>G, p.Arg210Gly (NM_001291969.2); c.1000C>G, p.Arg334Gly (NM_001291970.2); short protein forms R210G, R334G.
Identifiers: ClinVar variation 1692918 (VCV001692918.7), dbSNP rs9333548, ClinGen allele CA3827136.